The following is an entry in ClinVar:

ClinVar aggregate classification (germline): Pathogenic/Likely pathogenic. Review status: criteria provided, multiple submitters, no conflicts (2 of 4 stars). 4 submissions from 4 submitters: Pathogenic (2); Likely pathogenic (2). Last evaluated 2025-07-15.

Conditions:
Dyskeratosis congenita. Identifiers: Orphanet 1775, MedGen C0265965, MONDO:0015780.
Cerebroretinal microangiopathy with calcifications and cysts 1 (CRMCC1). Identifiers: Orphanet 313838, MedGen C4552029, MONDO:0024564, OMIM 612199.

Allele frequency attached by ClinVar (database versions not stated): gnomAD 0.00001; gnomAD exomes 0.00001 and 0.00004; TOPMed 0.00003.
gnomAD v4.1: 59 of 1,613,988 alleles (0.0037%); highest among the groups gnomAD compares: Non-Finnish European, 0.005%; no homozygotes.

Submissions (4):

Labcorp Genetics (formerly Invitae), Labcorp
Classification: Pathogenic for Dyskeratosis congenita. Last evaluated: 2025-07-15. Review status: criteria provided, single submitter. Criteria: Invitae Variant Classification Sherloc (09022015). Collection method: clinical testing. Allele origin: germline.
Comment: This sequence change creates a premature translational stop signal (p.Arg818*) in the CTC1 gene. It is expected to result in an absent or disrupted protein product. Loss-of-function variants in CTC1 are known to be pathogenic (PMID: 22267198, 22387016). This variant is present in population databases (rs760884555, gnomAD 0.003%). This variant has not been reported in the literature in individuals affected with CTC1-related conditions. ClinVar contains an entry for this variant (Variation ID: 1342132). Algorithms developed to predict the effect of sequence changes on RNA splicing suggest that this variant may disrupt the consensus splice site. For these reasons, this variant has been classified as Pathogenic.

Fulgent Genetics
Classification: Likely pathogenic for Cerebroretinal microangiopathy with calcifications and cysts 1. Last evaluated: 2024-04-21. Review status: criteria provided, single submitter. Criteria: ACMG Guidelines, 2015. Collection method: clinical testing. Allele origin: germline.

Genetic Services Laboratory, University of Chicago
Classification: Pathogenic. Last evaluated: 2022-01-25. Review status: criteria provided, single submitter. Criteria: ACMG Guidelines, 2015. Collection method: clinical testing. Allele origin: germline.

Juno Genomics, Hangzhou Juno Genomics, Inc
Classification: Likely pathogenic for Cerebroretinal microangiopathy with calcifications and cysts 1. Review status: criteria provided, single submitter. Criteria: ACMG Guidelines, 2015. Collection method: clinical testing. Allele origin: germline.
Comment: Absent from controls (or at extremely low frequency if recessive) in Genome Aggregation Database.;Null variant in a gene where loss of function (LOF) is a known mechanism of disease.

Literature cited by the submitters: PubMed 22267198 (cited by Labcorp Genetics (formerly Invitae), Labcorp); PubMed 22387016 (cited by Labcorp Genetics (formerly Invitae), Labcorp).

NM_025099.6(CTC1):c.2452C>T (p.Arg818Ter)

Gene: CTC1 (CST telomere replication complex component 1; minus strand). Cytogenetic location: 17p13.1.
Variant type: single nucleotide variant.
Coding change: c.2452C>T on transcript NM_025099.6 (MANE Select); coding-DNA position 2452, C replaced by T.
Protein change: p.Arg818Ter; replaces arginine 818 with a stop codon.
Molecular consequence: nonsense. On other transcripts: non-coding transcript variant (1).
Genome position (GRCh38, 1-based): chr17:8,231,749, G>A on the plus strand (C>T on the coding strand, the complement: CTC1 is on the minus strand). VCF-style: chr17-8231749-G-A. GRCh37 (hg19) VCF-style: chr17-8135067-G-A.
Other names: short protein forms R818*.
Identifiers: ClinVar variation 1342132 (VCV001342132.9), dbSNP rs760884555, ClinGen allele CA287533433.
Genomic context (GRCh38, chr17:8,231,749, plus strand): 5'-CTTTCTGGGGAAAGGTATGATGAAGTAGGACACTCACAGCGGGGCCAGGAGCTATGAGTC[G>A]GTACACCTGTCCCGGGTGCAAGAACTCAAACCAGCGGACTGAAGAGCCAAAGAAAATGAG-3'